The following is an entry in ClinVar:

ClinVar aggregate classification (germline): Pathogenic (1 of 4 stars; one submission).

Submission:

Labcorp Genetics (formerly Invitae), Labcorp
Classification: Pathogenic. Last evaluated: 2023-02-06. Review status: criteria provided, single submitter. Criteria: Invitae Variant Classification Sherloc (09022015). Collection method: clinical testing. Allele origin: germline.
Comment: This sequence change creates a premature translational stop signal (p.Ile188Argfs*9) in the DNAAF4 gene. It is expected to result in an absent or disrupted protein product. Loss-of-function variants in DNAAF4 are known to be pathogenic (PMID: 23872636). This variant is not present in population databases (gnomAD no frequency). This variant has not been reported in the literature in individuals affected with DNAAF4-related conditions. For these reasons, this variant has been classified as Pathogenic.

Literature cited by the submitters: PubMed 23872636.

NM_130810.4(DNAAF4):c.563_567del (p.Ile188fs)

Genes: DNAAF4 (dynein axonemal assembly factor 4; minus strand), DNAAF4-CCPG1 (DNAAF4-CCPG1 readthrough (NMD candidate); minus strand). Cytogenetic location: 15q21.3.
Variant type: Deletion.
Coding change: c.563_567del on transcript NM_130810.4 (MANE Select); coding-DNA positions 563 to 567, 5 bases deleted (TTAAA; older notation c.563_567delTTAAA).
Protein change: p.Ile188fs; shifts the reading frame from isoleucine 188.
Molecular consequence: frameshift variant. On other transcripts: non-coding transcript variant (1).
Genome position (GRCh38, 1-based): chr15:55,467,000-55,467,004, TTTAA deleted on the plus strand (TTAAA on the coding strand, the reverse complement: DNAAF4 is on the minus strand); deleting any 5 consecutive bases within chr15:55,467,000-55,467,007 gives the same sequence; the c. name uses the placement nearest the transcript's 3' end. VCF-style (leftmost placement, unchanged base first): chr15-55466999-CTTTAA-C. GRCh37 (hg19) VCF-style: chr15-55759197-CTTTAA-C.
Other names: c.563_567del, p.Ile188fs (NM_001033559.3, NM_001033560.2); short protein forms I188fs.
Identifiers: ClinVar variation 3016601 (VCV003016601.3), dbSNP rs2543502487, ClinGen allele CA2575734768.